The following is an entry in ClinVar:

ClinVar aggregate classification (germline): Uncertain significance. Review status: criteria provided, multiple submitters, no conflicts (2 of 4 stars). 4 submissions from 4 submitters: Uncertain significance (4). Last evaluated 2026-04-11.

Conditions:
Amyotrophic lateral sclerosis type 15. Also called: AMYOTROPHIC LATERAL SCLEROSIS 15 WITH FRONTOTEMPORAL DEMENTIA. Identifiers: Orphanet 803, MedGen C3275459, MONDO:0010459, OMIM 300857.

Allele frequency attached by ClinVar (database versions not stated): gnomAD exomes below 0.00001; TOPMed below 0.00001; gnomAD 0.00001.

Submissions (4):

Ambry Genetics
Classification: Uncertain significance. Last evaluated: 2026-04-11. Review status: criteria provided, single submitter. Criteria: Ambry Variant Classification Scheme 2023. Collection method: clinical testing. Allele origin: germline.

Labcorp Genetics (formerly Invitae), Labcorp
Classification: Uncertain significance for Amyotrophic lateral sclerosis type 15. Last evaluated: 2023-08-07. Review status: criteria provided, single submitter. Criteria: Invitae Variant Classification Sherloc (09022015). Collection method: clinical testing. Allele origin: germline.
Comment: In summary, the available evidence is currently insufficient to determine the role of this variant in disease. Therefore, it has been classified as a Variant of Uncertain Significance. Advanced modeling of protein sequence and biophysical properties (such as structural, functional, and spatial information, amino acid conservation, physicochemical variation, residue mobility, and thermodynamic stability) performed at Invitae indicates that this missense variant is expected to disrupt UBQLN2 protein function. ClinVar contains an entry for this variant (Variation ID: 913947). This variant has not been reported in the literature in individuals affected with UBQLN2-related conditions. This variant is not present in population databases (gnomAD no frequency). This sequence change replaces arginine, which is basic and polar, with cysteine, which is neutral and slightly polar, at codon 270 of the UBQLN2 protein (p.Arg270Cys).

Neuberg Centre For Genomic Medicine, NCGM
Classification: Uncertain significance for Amyotrophic lateral sclerosis type 15. Last evaluated: 2023-06-02. Review status: criteria provided, single submitter. Criteria: ACMG Guidelines, 2015. Collection method: clinical testing. Allele origin: germline. Inheritance: X-linked dominant inheritance. Affected: yes.
Comment: The missense variant c.808C>T(p.Arg270Cys) in UBQLN2 gene has not been reported previously as a pathogenic variant nor as a benign variant, to our knowledge. The observed variant is absent in gnomAD exomes database. This variant has been submitted to the ClinVar database as Uncertain Significance (VUS). Multiple lines of computational evidence (Polyphen - probably damaging, SIFT - damaging and MutationTaster - disease causing) predict a damaging effect on protein structure and function for this variant. The reference amino acid change p.Arg270Cys in UBQLN2 is predicted as conserved by GERP++ and PhyloP across 100 vertebrates. The amino acid Arg at position 270 is changed to a Cys changing protein sequence and it might alter its composition and physico-chemical properties. For these reasons, this variant has been classified as Uncertain Significance (VUS). The observed variant has also been detected in heterozygous state in ID: 30507401448. No significant variant in UBQLN2 gene has been detected in; ID: [PII REDACTED] and ; ID: [PII REDACTED].

Illumina Laboratory Services, Illumina
Classification: Uncertain significance for Amyotrophic lateral sclerosis type 15. Last evaluated: 2018-01-13. Review status: criteria provided, single submitter. Criteria: ICSL Variant Classification Criteria 13 December 2019. Collection method: clinical testing. Allele origin: germline.

NM_013444.4(UBQLN2):c.808C>T (p.Arg270Cys)

Gene: UBQLN2 (ubiquilin 2; plus strand). Cytogenetic location: Xp11.21.
Variant type: single nucleotide variant.
Coding change: c.808C>T on transcript NM_013444.4 (MANE Select); coding-DNA position 808, C replaced by T.
Protein change: p.Arg270Cys; replaces arginine 270 with cysteine.
Molecular consequence: missense variant.
Genome position (GRCh38, 1-based): chrX:56,564,681, C>T. VCF-style: chrX-56564681-C-T. GRCh37 (hg19) VCF-style: chrX-56591114-C-T.
Other names: short protein forms R270C.
Identifiers: ClinVar variation 913947 (VCV000913947.11), dbSNP rs1330837640, ClinGen allele CA413379194.
Genomic context (GRCh38, chrX:56,564,681, plus strand): 5'-AATCAAGACCTGGCTCTTAGCAATCTAGAAAGCATCCCAGGTGGCTATAATGCTTTACGG[C>T]GCATGTACACTGACATTCAAGAGCCGATGCTGAATGCCGCACAAGAGCAGTTTGGGGGTA-3'
Protein context (NP_038472.2, residues 260-280): SIPGGYNALR[Arg270Cys]MYTDIQEPML